The following is an entry in ClinVar:

ClinVar aggregate classification (germline): Pathogenic (1 of 4 stars; one submission).

Conditions:
Primary ciliary dyskinesia 3. Identifiers: Orphanet 244, MedGen C1837618, MONDO:0012085, OMIM 608644.

Submission:

Myriad Genetics, Inc.
Classification: Pathogenic for Primary ciliary dyskinesia 3. Last evaluated: 2024-05-14. Review status: criteria provided, single submitter. Criteria: Myriad Autosomal Dominant, Autosomal Recessive and X-Linked Classification Criteria (2023). Collection method: clinical testing. Allele origin: unknown.
Comment: NM_001369.2(DNAH5):c.2541_2542ins13(P848Yfs*9) is expected to be pathogenic in the context of primary ciliary dyskinesia, DNAH5-related. This variant is predicted to lead to an abnormal or absent protein product due to the creation of a premature termination codon in DNAH5, a gene where loss-of-function variants are known to be pathogenic. Please note: this variant was assessed in the context of healthy population screening.

NM_001369.3(DNAH5):c.2541_2542insTATAAGAGACAGT (p.Pro848fs)

Genes: DNAH5 (dynein axonemal heavy chain 5; minus strand), DNAH5-AS1 (DNAH5 antisense RNA 1; plus strand). Cytogenetic location: 5p15.2.
Variant type: Insertion.
Coding change: c.2541_2542insTATAAGAGACAGT on transcript NM_001369.3 (MANE Select); coding-DNA positions 2541 to 2542, TATAAGAGACAGT inserted.
Protein change: p.Pro848fs; shifts the reading frame from proline 848.
Molecular consequence: frameshift variant.
Genome position: GRCh38 VCF-style: chr5-13891011-G-GACTGTCTCTTATA. GRCh37 (hg19) VCF-style: chr5-13891120-G-GACTGTCTCTTATA.
Other names: short protein forms P848fs.
Identifiers: ClinVar variation 5011214 (VCV005011214.1).